The following is an entry in ClinVar:

ClinVar aggregate classification (germline): Likely benign. Review status: criteria provided, multiple submitters, no conflicts (2 of 4 stars). 3 submissions from 3 submitters: Likely benign (3). Last evaluated 2025-05-21.

Conditions:
Autosomal recessive limb-girdle muscular dystrophy type 2J (LGMDR10). Also called: Limb-girdle muscular dystrophy, type 2J; MUSCULAR DYSTROPHY, LIMB-GIRDLE, AUTOSOMAL RECESSIVE 10. Identifiers: Orphanet 140922, MedGen C1837342, MONDO:0012127, OMIM 608807.
Dilated cardiomyopathy 1G (CMD1G). Identifiers: Orphanet 154, MedGen C1858763, MONDO:0011400, OMIM 604145.

Allele frequency attached by ClinVar (database versions not stated): gnomAD exomes below 0.00001; ExAC 0.00001.
gnomAD v4.1: 16 of 1,594,720 alleles (0.001%); highest among the groups gnomAD compares: East Asian, 0.0022%; no homozygotes.

Submissions (3):

Labcorp Genetics (formerly Invitae), Labcorp
Classification: Likely benign for Dilated cardiomyopathy 1G; Autosomal recessive limb-girdle muscular dystrophy type 2J. Last evaluated: 2025-05-21. Review status: criteria provided, single submitter. Criteria: Invitae Variant Classification Sherloc (09022015). Collection method: clinical testing. Allele origin: germline.

Blueprint Genetics
Classification: Likely benign. Last evaluated: 2022-01-14. Review status: criteria provided, single submitter. Criteria: ACMG Guidelines, 2015. Collection method: clinical testing. Allele origin: germline.

GeneDx
Classification: Likely benign. Last evaluated: 2017-05-10. Review status: criteria provided, single submitter. Criteria: GeneDx Variant Classification (06012015). Collection method: clinical testing. Allele origin: germline. Affected: yes.
Comment: This variant is considered likely benign or benign based on one or more of the following criteria: it is a conservative change, it occurs at a poorly conserved position in the protein, it is predicted to be benign by multiple in silico algorithms, and/or has population frequency not consistent with disease.

NM_001267550.2(TTN):c.27879C>T (p.Thr9293=)

Gene: TTN (titin; minus strand). Cytogenetic location: 2q31.2.
Variant type: single nucleotide variant.
Coding change: c.27879C>T on transcript NM_001267550.2 (MANE Select); coding-DNA position 27879, C replaced by T.
Protein change: p.Thr9293=; no amino-acid change (threonine 9293 retained).
Molecular consequence: synonymous variant. On other transcripts: intron variant (3).
Genome position (GRCh38, 1-based): chr2:178,711,951, G>A on the plus strand (C>T on the coding strand, the complement: TTN is on the minus strand). VCF-style: chr2-178711951-G-A. GRCh37 (hg19) VCF-style: chr2-179576678-G-A.
Other names: c.26928C>T, p.Thr8976= (NM_001256850.1); c.24147C>T, p.Thr8049= (NM_133378.4); c.13282+26131C>T (NM_003319.4); c.13858+26131C>T (NM_133437.4); c.13657+26131C>T (NM_133432.3).
Identifiers: ClinVar variation 509600 (VCV000509600.10), dbSNP rs751693156, ClinGen allele CA1999710.